The following is an entry in ClinVar:

ClinVar aggregate classification (germline): Benign/Likely benign. Review status: criteria provided, multiple submitters, no conflicts (2 of 4 stars). 5 submissions from 5 submitters: Benign (1); Likely benign (4). Last evaluated 2025-11-12.

Conditions:
Connective tissue disorder. Also called: Connective tissue disease. Identifiers: MedGen C0009782, MONDO:0003900.
Congenital contractural arachnodactyly (CCA). Also called: BEALS SYNDROME; Arthrogryposis, distal, type 9; Beals-Hecht syndrome. Identifiers: Orphanet 115, MedGen C0220668, MONDO:0007363, OMIM 121050.

Allele frequency attached by ClinVar (database versions not stated): gnomAD exomes 0.00003 and 0.00008; ExAC 0.00012; 1000 Genomes Project 30x 0.00016; 1000 Genomes Project 0.00020; TOPMed 0.00024; gnomAD 0.00026 and 0.00029; ESP Exome Variant Server 0.00038.
gnomAD v4.1: 81 of 1,567,790 alleles (0.0052%); highest among the groups gnomAD compares: African/African-American, 0.085%; no homozygotes.

Submissions (5):

Labcorp Genetics (formerly Invitae), Labcorp
Classification: Benign for Congenital contractural arachnodactyly. Last evaluated: 2025-11-12. Review status: criteria provided, single submitter. Criteria: Invitae Variant Classification Sherloc (09022015). Collection method: clinical testing. Allele origin: germline.

ARUP Laboratories, Molecular Genetics and Genomics, ARUP Laboratories
Classification: Likely benign. Last evaluated: 2019-02-28. Review status: criteria provided, single submitter. Criteria: ARUP Molecular Germline Variant Investigation Process. Collection method: clinical testing. Allele origin: germline.

GeneDx
Classification: Likely benign. Last evaluated: 2018-04-04. Review status: criteria provided, single submitter. Criteria: GeneDx Variant Classification (06012015). Collection method: clinical testing. Allele origin: germline. Affected: yes.
Comment: This variant is considered likely benign or benign based on one or more of the following criteria: it is a conservative change, it occurs at a poorly conserved position in the protein, it is predicted to be benign by multiple in silico algorithms, and/or has population frequency not consistent with disease.

Center for Human Genetics, Inc
Classification: Likely benign for Connective tissue disorder. Last evaluated: 2016-11-01. Review status: criteria provided, single submitter. Criteria: ACMG Guidelines, 2015. Collection method: clinical testing. Allele origin: germline. Affected: yes.

PreventionGenetics, part of Exact Sciences
Classification: Likely benign. Review status: criteria provided, single submitter. Criteria: ACMG Guidelines, 2015. Collection method: clinical testing. Allele origin: germline.

NM_001999.4(FBN2):c.2249-19A>G

Gene: FBN2 (fibrillin 2; minus strand). Cytogenetic location: 5q23.3.
Variant type: single nucleotide variant.
Coding change: c.2249-19A>G on transcript NM_001999.4 (MANE Select); 19 bases into the intron before coding-DNA position 2249, A replaced by G.
Molecular consequence: intron variant.
Genome position (GRCh38, 1-based): chr5:128,366,449, T>C on the plus strand (A>G on the coding strand, the complement: FBN2 is on the minus strand). VCF-style: chr5-128366449-T-C. GRCh37 (hg19) VCF-style: chr5-127702142-T-C.
Identifiers: ClinVar variation 258509 (VCV000258509.18), dbSNP rs193091226, ClinGen allele CA3395601.